The following is an entry in ClinVar:

ClinVar aggregate classification (germline): Uncertain significance. Review status: criteria provided, multiple submitters, no conflicts (2 of 4 stars). 3 submissions from 3 submitters: Uncertain significance (3). Last evaluated 2025-11-03.

Conditions:
CLDN1-related disorder. Also called: CLDN1-related condition.

Allele frequency attached by ClinVar (database versions not stated): gnomAD 0.00001 and 0.00003; ExAC 0.00003; gnomAD exomes 0.00004; TOPMed 0.00006; 1000 Genomes Project 30x 0.00031; 1000 Genomes Project 0.00040.
gnomAD v4.1: 66 of 1,613,676 alleles (0.0041%); highest among the groups gnomAD compares: Non-Finnish European, 0.0048%; no homozygotes.

Submissions (3):

PreventionGenetics, part of Exact Sciences
Classification: Uncertain significance for CLDN1-related condition. Last evaluated: 2025-11-03. Review status: criteria provided, single submitter. Criteria: ACMG Guidelines, 2015. Collection method: clinical testing. Allele origin: germline.
Comment: The CLDN1 c.493C>G variant is predicted to result in the amino acid substitution p.Leu165Val. To our knowledge, this variant has not been reported in the literature. This variant is reported in 0.0070% of alleles in individuals of European (Non-Finnish) descent in gnomAD. At this time, the clinical significance of this variant is uncertain due to the absence of conclusive functional and genetic evidence.

Labcorp Genetics (formerly Invitae), Labcorp
Classification: Uncertain significance. Last evaluated: 2025-08-22. Review status: criteria provided, single submitter. Criteria: Invitae Variant Classification Sherloc (09022015). Collection method: clinical testing. Allele origin: germline.
Comment: This sequence change replaces leucine, which is neutral and non-polar, with valine, which is neutral and non-polar, at codon 165 of the CLDN1 protein (p.Leu165Val). This variant is present in population databases (rs200639282, gnomAD 0.007%). This variant has not been reported in the literature in individuals affected with CLDN1-related conditions. ClinVar contains an entry for this variant (Variation ID: 593487). An algorithm developed to predict the effect of missense changes on protein structure and function (PolyPhen-2) suggests that this variant is likely to be disruptive. In summary, the available evidence is currently insufficient to determine the role of this variant in disease. Therefore, it has been classified as a Variant of Uncertain Significance.

Eurofins Ntd Llc (ga)
Classification: Uncertain significance. Last evaluated: 2017-07-28. Review status: criteria provided, single submitter. Criteria: EGL Classification Definitions 2015. Collection method: clinical testing. Allele origin: germline. Observed: 1 variant allele, 1 heterozygote.

NM_021101.5(CLDN1):c.493C>G (p.Leu165Val)

Genes: CLDN1 (claudin 1; minus strand), CLDN16 (claudin 16; plus strand). Cytogenetic location: 3q28.
Variant type: single nucleotide variant.
Coding change: c.493C>G on transcript NM_021101.5 (MANE Select); coding-DNA position 493, C replaced by G.
Protein change: p.Leu165Val; replaces leucine 165 with valine.
Molecular consequence: missense variant.
Genome position (GRCh38, 1-based): chr3:190,308,420, G>C on the plus strand (C>G on the coding strand, the complement: CLDN1 is on the minus strand). VCF-style: chr3-190308420-G-C. GRCh37 (hg19) VCF-style: chr3-190026209-G-C.
Other names: c.493C>G (NM_021101.4); short protein forms L165V.
Identifiers: ClinVar variation 593487 (VCV000593487.7), dbSNP rs200639282, ClinGen allele CA2753503.
Genomic context (GRCh38, chr3:190,308,420, plus strand): 5'-AACAGCAAAGTAGGGCACCTCCCAGAAGGCAGAGAGAAGCAGCAGCCCAGCCAGTGAAGA[G>C]AGCCTGACCAAATTCGTACCTAAAAGGAAAAACCCATGTGCTTGTTAATCAGTGAATTAT-3'
Protein context (NP_066924.1, residues 155-175): VNARYEFGQA[Leu165Val]FTGWAAASLC